The following is an entry in ClinVar:

Conditions:
Breast-ovarian cancer, familial, susceptibility to, 1 (BROVCA1). Also called: BRCA1 Hereditary Breast and Ovarian Cancer; OVARIAN CANCER, SUSCEPTIBILITY TO. Identifiers: Orphanet 145, MedGen C2676676, MONDO:0011450, OMIM 604370. Disease mechanism: loss of function.

Submission:

Brotman Baty Institute, University of Washington
No classification provided (evidence only). Condition: Breast-ovarian cancer, familial 1. Review status: no classification provided. Collection method: in vitro. Allele origin: not applicable. Functional consequence: functionally_normal.
ClinVar note: "not provided" was previously submitted as the classification for the variant. However, the classification appeared to be based only on an observation of functional data so it was converted to no classification on 2025-07-30.

NM_007294.4(BRCA1):c.177A>T (p.Ser59=)

Gene: BRCA1 (BRCA1 DNA repair associated; minus strand). Cytogenetic location: 17q21.31.
Variant type: single nucleotide variant.
Coding change: c.177A>T on transcript NM_007294.4 (MANE Select); coding-DNA position 177, A replaced by T.
Protein change: p.Ser59=; no amino-acid change (serine 59 retained).
Molecular consequence: synonymous variant. On other transcripts: 5 prime UTR variant (61), intron variant (34).
Genome position (GRCh38, 1-based): chr17:43,106,491, T>A on the plus strand (A>T on the coding strand, the complement: BRCA1 is on the minus strand). VCF-style: chr17-43106491-T-A. GRCh37 (hg19) VCF-style: chr17-41258508-T-A.
Other names: c.177A>T, p.Ser59= (NM_001407982.1, NM_001407983.1, NM_001407984.1 and 168 more transcripts); c.36A>T, p.Ser12= (NM_001408410.1, NM_001408452.1, NM_001408453.1 and 99 more transcripts); c.-12A>T (NM_001408478.1, NM_001408479.1, NM_001408480.1 and 58 more transcripts); c.-218-11631A>T (NM_001407967.1, NM_001407966.1); c.-169-1535A>T (NM_001407959.1, NM_001407962.1, NM_001408512.1 and 4 more transcripts); c.81-1535A>T (NM_001408451.1); c.135-1535A>T (NM_001408475.1, NM_001407875.1, NM_001407659.1 and 21 more transcripts).
Identifiers: ClinVar variation 867303 (VCV000867303.3), dbSNP rs2054782640, ClinGen allele CA500128148.